The following is an entry in ClinVar:

NM_000138.5(FBN1):c.5423A>G (p.Asp1808Gly)

Gene: FBN1 (fibrillin 1; minus strand). Cytogenetic location: 15q21.1.
Variant type: single nucleotide variant.
Coding change: c.5423A>G on transcript NM_000138.5 (MANE Select); coding-DNA position 5423, A replaced by G.
Protein change: p.Asp1808Gly; replaces aspartic acid 1808 with glycine.
Molecular consequence: missense variant.
Genome position (GRCh38, 1-based): chr15:48,452,684, T>C on the plus strand (A>G on the coding strand, the complement: FBN1 is on the minus strand). VCF-style: chr15-48452684-T-C. GRCh37 (hg19) VCF-style: chr15-48744881-T-C.
Other names: short protein forms D1808G.
Identifiers: ClinVar variation 1477340 (VCV001477340.6), dbSNP rs2141256144, ClinGen allele CA392344497.
Genomic context (GRCh38, chr15:48,452,684, plus strand): 5'-GCAGTGTTGATGCATTCGGCGTTGCGCTGGCACACTGGGCCGTTCTGACACTCGTCAATA[T>C]CTACGAGCAGAAGAGAACTGAATTTGAAGGAGAACAGAATCTGGTGTCCAGTCAACAAAG-3'
Protein context (NP_000129.3, residues 1798-1818): FYNDKLLVCE[Asp1808Gly]IDECQNGPVC

ClinVar aggregate classification (germline): Uncertain significance (1 of 4 stars; one submission).

Conditions:
Marfan syndrome (MFS). Also called: MARFAN SYNDROME, TYPE I; Marfan syndrome type 1; Marfan's syndrome; Marfan syndrome, classic; FBN1-Related Marfan Syndrome. Identifiers: Orphanet 284963, Orphanet 558, MedGen C0024796, MONDO:0007947, OMIM 154700.
Familial thoracic aortic aneurysm and aortic dissection (TAAD). Also called: Thoracic aortic aneurysms and dissections. Identifiers: Orphanet 91387, MedGen C4707243, MONDO:0019625.

Submission:

Labcorp Genetics (formerly Invitae), Labcorp
Classification: Uncertain significance for Marfan syndrome; Familial thoracic aortic aneurysm and aortic dissection. Last evaluated: 2023-11-17. Review status: criteria provided, single submitter. Criteria: Invitae Variant Classification Sherloc (09022015). Collection method: clinical testing. Allele origin: germline.
Comment: This sequence change replaces aspartic acid, which is acidic and polar, with glycine, which is neutral and non-polar, at codon 1808 of the FBN1 protein (p.Asp1808Gly). This variant is not present in population databases (gnomAD no frequency). This variant has not been reported in the literature in individuals affected with FBN1-related conditions. ClinVar contains an entry for this variant (Variation ID: 1477340). An algorithm developed to predict the effect of missense changes on protein structure and function (PolyPhen-2) suggests that this variant is likely to be disruptive. In summary, the available evidence is currently insufficient to determine the role of this variant in disease. Therefore, it has been classified as a Variant of Uncertain Significance.